The following is an entry in ClinVar:

ClinVar aggregate classification (germline): Benign/Likely benign. Review status: criteria provided, multiple submitters, no conflicts (2 of 4 stars). 5 submissions from 5 submitters: Benign (3); Likely benign (2). Last evaluated 2026-02-03.

Conditions:
Familial adenomatous polyposis 1 (FAP1). Also called: FAMILIAL ADENOMATOUS POLYPOSIS 1, ATTENUATED; POLYPOSIS, ADENOMATOUS INTESTINAL. Identifiers: MedGen C2713442, MONDO:0021056, OMIM 175100. Disease mechanism: loss of function.

Allele frequency attached by ClinVar (database versions not stated): gnomAD 0.00491 and 0.00465; 1000 Genomes Project 30x 0.00609; TOPMed 0.00481; gnomAD exomes 0.00081; 1000 Genomes Project 0.00539.
gnomAD v4.1: 984 of 506,692 alleles (0.19%); highest among the groups gnomAD compares: African/African-American, 1.6%; 9 homozygotes.

Submissions (6):

Labcorp Genetics (formerly Invitae), Labcorp
Classification: Benign for Familial adenomatous polyposis 1. Last evaluated: 2026-02-03. Review status: criteria provided, single submitter. Criteria: Invitae Variant Classification Sherloc (09022015). Collection method: clinical testing. Allele origin: germline.

Center for Genomic Medicine, Rigshospitalet, Copenhagen University Hospital
Classification: Benign. Last evaluated: 2025-03-04. Review status: criteria provided, single submitter. Criteria: ACMG Guidelines, 2015. Collection method: clinical testing. Allele origin: germline.

Blueprint Genetics
Classification: Likely benign. Last evaluated: 2024-09-02. Review status: criteria provided, single submitter. Criteria: ACMG Guidelines, 2015. Collection method: clinical testing. Allele origin: germline.

ARUP Laboratories, Molecular Genetics and Genomics, ARUP Laboratories
Classification: Benign. Last evaluated: 2019-08-02. Review status: criteria provided, single submitter. Criteria: ARUP Molecular Germline Variant Investigation Process. Collection method: clinical testing. Allele origin: germline.

GeneDx
Classification: Likely benign. Last evaluated: 2017-10-06. Review status: criteria provided, single submitter. Criteria: GeneDx Variant Classification (06012015). Collection method: clinical testing. Allele origin: germline. Affected: yes.
Comment: This variant is considered likely benign or benign based on one or more of the following criteria: it is a conservative change, it occurs at a poorly conserved position in the protein, it is predicted to be benign by multiple in silico algorithms, and/or has population frequency not consistent with disease.

Dr. Peter K. Rogan Lab, Western University
No classification provided (evidence only). Condition: Sarcoma. Review status: no classification provided. Collection method: in vitro. Allele origin: not applicable. Functional consequence: retained intron. Not counted in ClinVar's aggregate classification.

NM_001127511.3(APC):c.-181C>T

Genes: APC (APC regulator of Wnt signaling pathway; plus strand), LOC129994371 (ATAC-STARR-seq lymphoblastoid active region 22910; plus strand). Cytogenetic location: 5q22.2.
Variant type: single nucleotide variant.
Coding change: c.-181C>T on transcript NM_001127511.3; 181 bases upstream of the start codon, C replaced by T.
Molecular consequence: 5 prime UTR variant. On other transcripts: non-coding transcript variant (2).
Genome position (GRCh38, 1-based): chr5:112,707,537, C>T. VCF-style: chr5-112707537-C-T. GRCh37 (hg19) VCF-style: chr5-112043234-C-T.
Other names: c.-364C>T (NM_001354895.2, NM_001407447.1, NM_001407452.1 and 3 more transcripts); c.-181C>T (NM_001354897.2, NM_001354902.2, NM_001407446.1); c.-131C>T (NM_001407448.1, NM_001407450.1, NM_001407457.1 and 1 more transcripts); c.-155C>T (NM_001407453.1); c.-1399C>T (NM_001407470.1, NM_001407472.1).
Identifiers: ClinVar variation 469853 (VCV000469853.23), dbSNP rs115658307, ClinGen allele CA124924856.